The following is an entry in ClinVar:

NM_153252.5(BRWD3):c.1897C>T (p.Gln633Ter)

Gene: BRWD3 (bromodomain and WD repeat domain containing 3; minus strand). Cytogenetic location: Xq21.1.
Variant type: single nucleotide variant.
Coding change: c.1897C>T on transcript NM_153252.5 (MANE Select); coding-DNA position 1897, C replaced by T.
Protein change: p.Gln633Ter; replaces glutamine 633 with a stop codon.
Molecular consequence: nonsense.
Genome position (GRCh38, 1-based): chrX:80,719,636, G>A on the plus strand (C>T on the coding strand, the complement: BRWD3 is on the minus strand). VCF-style: chrX-80719636-G-A. GRCh37 (hg19) VCF-style: chrX-79975135-G-A.
Other names: c.1897C>T, p.Gln633Ter (NM_001441339.1); short protein forms Q633*.
Identifiers: ClinVar variation 4879784 (VCV004879784.1).

ClinVar aggregate classification (germline): Pathogenic (1 of 4 stars; one submission).

Conditions:
Intellectual developmental disorder, X-linked 93. Also called: MENTAL RETARDATION, X-LINKED, WITH MACROCEPHALY; Intellectual disability, X-linked 93. Identifiers: MedGen C1970841, MONDO:0010393, OMIM 300659.

Submission:

Victorian Clinical Genetics Services, Murdoch Childrens Research Institute
Classification: Pathogenic for Intellectual developmental disorder, X-linked 93. Last evaluated: 2026-05-22. Review status: criteria provided, single submitter. Criteria: ACMG Guidelines, 2015. Collection method: clinical testing. Allele origin: germline. Affected: yes.
Comment: This variant is classified as Pathogenic. Evidence in support of pathogenic classification: Variant is predicted to cause nonsense-mediated decay (NMD) and loss of protein (premature termination codon is located at least 54 nucleotides upstream of the final exon-exon junction); Variant is absent from gnomAD (v2, v3 and v4); Other NMD-predicted variants comparable to the one identified in this case have very strong previous evidence for pathogenicity (DECIPHER). Additional information: This variant is heterozygous; This gene is associated with X-linked disease. Affected females with heterozygous variants have been reported (PMIDs:17668385, 36514184, 36414205); This variant has no previous evidence of pathogenicity; Loss of function is a known mechanism of disease in this gene and is associated with intellectual developmental disorder, X-linked 93 (MIM#300659).

Literature cited by the submitters: PubMed 17668385; PubMed 36514184; PubMed 36414205.